The following is an entry in ClinVar:

NM_032776.3(JMJD1C):c.2425_2427del (p.Leu809del)

Gene: JMJD1C (jumonji domain containing 1C; minus strand). Cytogenetic location: 10q21.3.
Variant type: Deletion.
Coding change: c.2425_2427del on transcript NM_032776.3 (MANE Select); coding-DNA positions 2425 to 2427, 3 bases deleted (CTT; older notation c.2425_2427delCTT).
Protein change: p.Leu809del; deletes leucine 809.
Molecular consequence: inframe deletion. On other transcripts: non-coding transcript variant (1).
Genome position (GRCh38, 1-based): chr10:63,213,740-63,213,742, AAG deleted on the plus strand (CTT on the coding strand, the reverse complement: JMJD1C is on the minus strand). VCF-style (leftmost placement, unchanged base first): chr10-63213739-CAAG-C. GRCh37 (hg19) VCF-style: chr10-64973499-CAAG-C.
Other names: c.1879_1881del, p.Leu627del (NM_001282948.2, NM_001318154.2); c.1561_1563del, p.Leu521del (NM_001318153.2); c.2311_2313del, p.Leu771del (NM_001322252.2); c.1768_1770del, p.Leu590del (NM_001322254.2, NM_001322258.2); short protein forms L627del, L521del, L771del, L809del, L590del.
Identifiers: ClinVar variation 1369165 (VCV001369165.8), dbSNP rs1300548130, ClinGen allele CA594255218.

ClinVar aggregate classification (germline): Uncertain significance (1 of 4 stars; one submission).

Conditions:
Early Myoclonic Encephalopathy. Identifiers: MedGen C0270855.

Allele frequency attached by ClinVar (database versions not stated): gnomAD exomes below 0.00001.

Submission:

Labcorp Genetics (formerly Invitae), Labcorp
Classification: Uncertain significance for Early Myoclonic Encephalopathy. Last evaluated: 2021-07-22. Review status: criteria provided, single submitter. Criteria: Invitae Variant Classification Sherloc (09022015). Collection method: clinical testing. Allele origin: germline.
Comment: In summary, the available evidence is currently insufficient to determine the role of this variant in disease. Therefore, it has been classified as a Variant of Uncertain Significance. Algorithms developed to predict the effect of sequence changes on RNA splicing suggest that this variant may create or strengthen a splice site. Experimental studies and prediction algorithms are not available or were not evaluated, and the functional significance of this variant is currently unknown. This variant has not been reported in the literature in individuals affected with JMJD1C-related conditions. This variant is not present in population databases (ExAC no frequency). This variant, c.2425_2427del, results in the deletion of 1 amino acid(s) of the JMJD1C protein (p.Leu809del), but otherwise preserves the integrity of the reading frame.